The following is an entry in ClinVar:

ClinVar aggregate classification (germline): Uncertain significance. Review status: criteria provided, multiple submitters, no conflicts (2 of 4 stars). 2 submissions from 2 submitters: Uncertain significance (2). Last evaluated 2025-02-12.

Submissions (2):

GeneDx
Classification: Uncertain significance. Last evaluated: 2025-02-12. Review status: criteria provided, single submitter. Criteria: GeneDx Variant Classification Process June 2021. Collection method: clinical testing. Allele origin: germline. Affected: yes.
Comment: Not observed at significant frequency in large population cohorts (gnomAD); In silico analysis indicates that this missense variant does not alter protein structure/function; Has not been previously published as pathogenic or benign to our knowledge

Labcorp Genetics (formerly Invitae), Labcorp
Classification: Uncertain significance. Last evaluated: 2022-09-28. Review status: criteria provided, single submitter. Criteria: Invitae Variant Classification Sherloc (09022015). Collection method: clinical testing. Allele origin: germline.
Comment: In summary, the available evidence is currently insufficient to determine the role of this variant in disease. Therefore, it has been classified as a Variant of Uncertain Significance. Algorithms developed to predict the effect of missense changes on protein structure and function (SIFT, PolyPhen-2, Align-GVGD) all suggest that this variant is likely to be tolerated. This variant has not been reported in the literature in individuals affected with FRMD7-related conditions. This variant is not present in population databases (gnomAD no frequency). This sequence change replaces serine, which is neutral and polar, with threonine, which is neutral and polar, at codon 12 of the FRMD7 protein (p.Ser12Thr).

NM_194277.3(FRMD7):c.34T>A (p.Ser12Thr)

Gene: FRMD7 (FERM domain containing 7; minus strand). Cytogenetic location: Xq26.2.
Variant type: single nucleotide variant.
Coding change: c.34T>A on transcript NM_194277.3 (MANE Select); coding-DNA position 34, T replaced by A.
Protein change: p.Ser12Thr; replaces serine 12 with threonine.
Molecular consequence: missense variant.
Genome position (GRCh38, 1-based): chrX:132,127,811, A>T on the plus strand (T>A on the coding strand, the complement: FRMD7 is on the minus strand). VCF-style: chrX-132127811-A-T. GRCh37 (hg19) VCF-style: chrX-131261839-A-T.
Other names: c.34T>A, p.Ser12Thr (NM_001306193.2); short protein forms S12T.
Identifiers: ClinVar variation 1720608 (VCV001720608.6), dbSNP rs2520939037, ClinGen allele CA414677161.
Genomic context (GRCh38, chrX:132,127,811, plus strand): 5'-ATAATAAAGGAATAATAGCAATGTGATTTCCACTTACATCAACCACAAAAATCTTCTGGG[A>T]ATCATCCAAAAACTGCACTTTTAAATGTAGCATTCTCAGCGAGGCCGTTGGGCTGCAAGC-3'
Protein context (NP_919253.1, residues 2-22): LHLKVQFLDD[Ser12Thr]QKIFVVDQKS